The following is an entry in ClinVar:

NM_005751.5(AKAP9):c.9366G>A (p.Leu3122=)

Gene: AKAP9 (A-kinase anchoring protein 9; plus strand). Cytogenetic location: 7q21.2.
Variant type: single nucleotide variant.
Coding change: c.9366G>A on transcript NM_005751.5 (MANE Select); coding-DNA position 9366, G replaced by A.
Protein change: p.Leu3122=; no amino-acid change (leucine 3122 retained).
Molecular consequence: synonymous variant.
Genome position (GRCh38, 1-based): chr7:92,093,104, G>A. VCF-style: chr7-92093104-G-A. GRCh37 (hg19) VCF-style: chr7-91722418-G-A.
Other names: c.4011G>A, p.Leu1337= (NM_001379277.1); c.9342G>A, p.Leu3114= (NM_147185.3).
Identifiers: ClinVar variation 3225113 (VCV003225113.1), dbSNP rs1269032462, ClinGen allele CA456452805.
Genomic context (GRCh38, chr7:92,093,104, plus strand): 5'-ACCAAATATGAGTTGCTTGATTATGTTTCAAATATTAATCATGTTCTGTGTAGAACTCTT[G>A]GAATATAATATACAGCAGAAGCAGTCTCAAATGCTGGAGATGCAAGTGGAGCTCAGCAGT-3'
Protein context (NP_005742.4, residues 3112-3132): QESEKPSQEL[Leu3122=]EYNIQQKQSQ

ClinVar aggregate classification (germline): Uncertain significance (1 of 4 stars; one submission).

Conditions:
Cardiovascular phenotype. Identifiers: MedGen CN230736.

Allele frequency attached by ClinVar (database versions not stated): gnomAD exomes below 0.00001; TOPMed 0.00001.
gnomAD v4.1: 6 of 1,610,486 alleles (0.00037%); highest among the groups gnomAD compares: Middle Eastern, 0.017%; no homozygotes.

Submission:

Ambry Genetics
Classification: Uncertain significance for Cardiovascular phenotype. Last evaluated: 2023-11-03. Review status: criteria provided, single submitter. Criteria: Ambry Variant Classification Scheme 2023. Collection method: clinical testing. Allele origin: germline.
Comment: The c.9366G>A variant (also known as p.L3122L), located in coding exon 39 of the AKAP9 gene, results from a G to A substitution at nucleotide position 9366. This nucleotide substitution does not change the leucine at codon 3122. This nucleotide position is not well conserved in available vertebrate species. In silico splice site analysis predicts that this alteration may weaken the native splice acceptor site. The evidence for this gene-disease relationship is limited; therefore, the clinical significance of this alteration is unclear.